The following is an entry in ClinVar:

ClinVar aggregate classification (germline): Pathogenic (1 of 4 stars; one submission).

Conditions:
Familial cancer of breast. Also called: Hereditary breast cancer; BREAST CANCER, FAMILIAL; hereditary breast carcinoma. Identifiers: Orphanet 227535, MedGen C0346153, MONDO:0016419, OMIM 114480. Disease mechanism: loss of function.

Submission:

Myriad Genetics, Inc.
Classification: Pathogenic for Familial cancer of breast. Last evaluated: 2023-05-19. Review status: criteria provided, single submitter. Criteria: Myriad Autosomal Dominant, Autosomal Recessive and X-Linked Classification Criteria (2023). Collection method: clinical testing. Allele origin: unknown.
Comment: This variant is considered pathogenic. This variant creates a frameshift predicted to result in premature protein truncation.

NM_000465.4(BARD1):c.974_986del (p.His325fs)

Gene: BARD1 (BRCA1 associated RING domain 1; minus strand). Cytogenetic location: 2q35.
Variant type: Deletion.
Coding change: c.974_986del on transcript NM_000465.4 (MANE Select); coding-DNA positions 974 to 986, 13 bases deleted (ACAATAGACTTTC).
Protein change: p.His325fs; shifts the reading frame from histidine 325.
Molecular consequence: frameshift variant. On other transcripts: non-coding transcript variant (2), intron variant (3).
Genome position (GRCh38, 1-based): chr2:214,780,888-214,780,900, GAAAGTCTATTGT deleted on the plus strand (ACAATAGACTTTC on the coding strand, the reverse complement: BARD1 is on the minus strand); deleting any 13 consecutive bases within chr2:214,780,888-214,780,902 gives the same sequence; the c. name uses the placement nearest the transcript's 3' end. VCF-style (leftmost placement, unchanged base first): chr2-214780887-GGAAAGTCTATTGT-G. GRCh37 (hg19) VCF-style: chr2-215645611-GGAAAGTCTATTGT-G.
Other names: c.917_929del, p.His306fs (NM_001282543.2); c.159-28345_159-28333del (NM_001282548.2); c.215+16161_215+16173del (NM_001282545.2); c.364+11397_364+11409del (NM_001282549.2); short protein forms H306fs, H325fs.
Identifiers: ClinVar variation 2583631 (VCV002583631.2), dbSNP rs2469505677, ClinGen allele CA2582342108.
Genomic context (GRCh38, chr2:214,780,887, plus strand): 5'-CTTAACAAAATCTCCACTGGTGCTCAGAATGCTGGTTCTACATCTCTTAGAAATGGGACT[GGAAAGTCTATTGT>G]GATGGCCACGTTTTCCATTATTTTCTAATGGCAAAGATTTCTTAGATGTAAGATAATTTT-3'